The following is an entry in ClinVar:

NM_001365999.1(SZT2):c.8281A>G (p.Thr2761Ala)

Gene: SZT2 (SZT2 subunit of KICSTOR complex; plus strand). Cytogenetic location: 1p34.2.
Variant type: single nucleotide variant.
Coding change: c.8281A>G on transcript NM_001365999.1 (MANE Select); coding-DNA position 8281, A replaced by G.
Protein change: p.Thr2761Ala; replaces threonine 2761 with alanine.
Molecular consequence: missense variant.
Genome position (GRCh38, 1-based): chr1:43,442,948, A>G. VCF-style: chr1-43442948-A-G. GRCh37 (hg19) VCF-style: chr1-43908619-A-G.
Other names: c.8110A>G, p.Thr2704Ala (NM_015284.4); short protein forms T2704A, T2761A.
Identifiers: ClinVar variation 1006244 (VCV001006244.8), dbSNP rs1655235826, ClinGen allele CA340038387.

ClinVar aggregate classification (germline): Uncertain significance (1 of 4 stars; one submission).

gnomAD v4.1: 9 of 1,614,112 alleles (0.00056%); highest among the groups gnomAD compares: Non-Finnish European, 0.00076%; no homozygotes.

Submission:

Labcorp Genetics (formerly Invitae), Labcorp
Classification: Uncertain significance. Last evaluated: 2020-08-08. Review status: criteria provided, single submitter. Criteria: Invitae Variant Classification Sherloc (09022015). Collection method: clinical testing. Allele origin: germline.
Comment: In summary, the available evidence is currently insufficient to determine the role of this variant in disease. Therefore, it has been classified as a Variant of Uncertain Significance. Algorithms developed to predict the effect of missense changes on protein structure and function (SIFT, PolyPhen-2, Align-GVGD) all suggest that this variant is likely to be disruptive, but these predictions have not been confirmed by published functional studies and their clinical significance is uncertain. This variant has not been reported in the literature in individuals with SZT2-related conditions. This variant is not present in population databases (ExAC no frequency). This sequence change replaces threonine with alanine at codon 2704 of the SZT2 protein (p.Thr2704Ala). The threonine residue is highly conserved and there is a small physicochemical difference between threonine and alanine.